The following is an entry in ClinVar:

ClinVar aggregate classification (germline): Conflicting classifications of pathogenicity. Review status: criteria provided, conflicting classifications (1 of 4 stars). 11 submissions from 11 submitters: Likely pathogenic (1); Uncertain significance (5); Benign (2); Likely benign (1). 2 of the submissions do not count toward it. Last evaluated 2025-12-31.

Conditions:
SLC5A2-related disorder. Also called: SLC5A2-related condition.
Familial renal glucosuria (GLYS). Also called: Familial renal glycosuria; RENAL GLUCOSURIA, AUTOSOMAL DOMINANT. Identifiers: Orphanet 69076, MedGen C3245525, MONDO:0009297, OMIM 233100.

Allele frequency attached by ClinVar (database versions not stated): 1000 Genomes Project 0.00200; 1000 Genomes Project 30x 0.00234; gnomAD 0.00516 and 0.00531; ExAC 0.00559; gnomAD exomes 0.00560; TOPMed 0.00584.
gnomAD v4.1: 11,339 of 1,613,962 alleles (0.7%); highest among the groups gnomAD compares: Non-Finnish European, 0.81%; 65 homozygotes.

Submissions (11):

PreventionGenetics, part of Exact Sciences
Classification: Uncertain significance for SLC5A2-related condition. Last evaluated: 2025-12-31. Review status: criteria provided, single submitter. Criteria: ACMG Guidelines, 2015. Collection method: clinical testing. Allele origin: germline.

MVZ Medizinische Genetik Mainz
Classification: Likely pathogenic for Familial renal glucosuria. Last evaluated: 2025-04-29. Review status: criteria provided, single submitter. Criteria: UK Practice Guidelines For Variant Classification V4 01 2020. Collection method: clinical testing. Allele origin: germline. Inheritance: Autosomal dominant inheritance. Affected: yes. Observed: 1 variant allele.
Comment: ACMG Criteria: PM3_VSTR,PP3,PP4,BS2

GeneDx
Classification: Uncertain significance. Last evaluated: 2024-08-07. Review status: criteria provided, single submitter. Criteria: GeneDx Variant Classification Process June 2021. Collection method: clinical testing. Allele origin: germline. Affected: yes.
Comment: Observed in multiple individuals with glucosuria in the literature; the majority of these individuals had a second variant in the SLC5A2 gene, although it is not known whether the variants occurred on the same (in cis) or on opposite alleles (in trans) in some cases (PMID: 37349938, 15110322, 14614622, 18622023, 31672324; Moscoso J et al. (2023) International Journal of Medical Reviews and Case Reports. 7 (6):53-56); Identified as a single heterozygous variant in a patient with chronic kidney disease in the literature, however, additional clinical information was not provided (PMID: 33226606); In silico analysis supports that this missense variant has a deleterious effect on protein structure/function; This variant is associated with the following publications: (PMID: 34426522, 37516996, 18622023, Moscoso[article]2023, 25333069, 31672324, 14569097, 15110322, 30476936, 35982159, 33057194, 14614622, 33226606, 37349938, 37240725)

Mayo Clinic Laboratories, Mayo Clinic
Classification: Benign. Last evaluated: 2024-03-15. Review status: criteria provided, single submitter. Criteria: ACMG Guidelines, 2015. Collection method: clinical testing. Allele origin: germline. Observed: 2 variant alleles.
Comment: BA1, BS2

Labcorp Genetics (formerly Invitae), Labcorp
Classification: Benign. Last evaluated: 2024-01-20. Review status: criteria provided, single submitter. Criteria: Invitae Variant Classification Sherloc (09022015). Collection method: clinical testing. Allele origin: germline.

Department of Pathology and Laboratory Medicine, Sinai Health System
Classification: Uncertain significance for Familial renal glucosuria. Last evaluated: 2022-08-02. Review status: criteria provided, single submitter. Criteria: ACMG Guidelines, 2015. Collection method: research. Allele origin: germline.

Mendelics
Classification: Uncertain significance. Last evaluated: 2022-05-04. Review status: criteria provided, single submitter. Criteria: Mendelics Assertion Criteria 2019. Collection method: clinical testing. Allele origin: germline.

Victorian Clinical Genetics Services, Murdoch Childrens Research Institute
Classification: Likely benign for Familial renal glucosuria. Last evaluated: 2020-06-11. Review status: criteria provided, single submitter. Criteria: ACMG Guidelines, 2015. Collection method: clinical testing. Allele origin: germline.
Comment: A heterozygous missense variant was identified, NM_003041.3(SLC5A2):c.1961A>G in exon 14 of 14 of the SLC5A2 gene. This substitution is predicted to create a minor amino acid change from asparagine to serine at position 654 of the protein, NP_003032.1(SLC5A2):p.(Asn654Ser). The asparagine at this position has moderate conservation (100 vertebrates, UCSC), but is located within the SLC5sbd_SGLT2 domain. In silico software predictions of the pathogenicity of this variant are conflicting (Polyphen, SIFT, CADD, Mutation Taster). The variant is present in the gnomAD population database at a frequency of 0.54% (1489 heterozygotes, 10 homozygotes). The variant has been previously reported pathogenic in patients with renal glucosuria (ClinVar, Calado, J. et al. (2004)). Based on information available at the time of curation, this variant has been classified as LIKELY BENIGN.

Illumina Laboratory Services, Illumina
Classification: Uncertain significance for Familial renal glucosuria. Last evaluated: 2017-04-27. Review status: criteria provided, single submitter. Criteria: ICSL Variant Classification Criteria 13 December 2019. Collection method: clinical testing. Allele origin: germline.
Comment: This variant was observed as part of a predisposition screen in an ostensibly healthy population. A literature search was performed for the gene, cDNA change, and amino acid change (where applicable). Publications were found based on this search. However, the evidence from the literature, in combination with allele frequency data from public databases where available, was not sufficient to rule this variant in or out of causing disease. Therefore, this variant is classified as a variant of unknown significance.

Reproductive Health Research and Development, BGI Genomics
Classification: Uncertain significance for Familial renal glucosuria. Last evaluated: 2020-01-06. Review status: no assertion criteria provided. Collection method: curation. Allele origin: germline. Not counted in ClinVar's aggregate classification.
Comment: NM_003041.3:c.1961A>G in the SLC5A2 gene has an allele frequency of 0.03 in Ashkenazi Jewish subpopulation in the gnomAD database. Although 10 homozygous occurrences are observed in the gnomAD database, renal glucosuria is not lethal in young age. Therefore we did not count this as a strong benign evidence. One individual with renal glucosuria, was a compound heterozygote for this variant and p.Q167fsX186 mutation (PMID: 14614622). We interpret it as variant of uncertain significance (VUS). ACMG/AMP criteria applied: BS1; PM3.

OMIM
Classification: Pathogenic for RENAL GLUCOSURIA. Last evaluated: 2004-02-01. Review status: no assertion criteria provided. Collection method: literature only. Allele origin: germline. Not counted in ClinVar's aggregate classification.

Literature cited by the submitters: PubMed 18622023 (cited by Illumina Laboratory Services, Illumina); PubMed 15110322 (cited by Illumina Laboratory Services, Illumina); PubMed 14614622 (cited by Illumina Laboratory Services, Illumina and OMIM); PubMed 14569097 (cited by Illumina Laboratory Services, Illumina).

NM_003041.4(SLC5A2):c.1961A>G (p.Asn654Ser)

Genes: RUSF1 (RUS family member 1; minus strand), SLC5A2 (solute carrier family 5 member 2; plus strand). Cytogenetic location: 16p11.2.
Variant type: single nucleotide variant.
Coding change: c.1961A>G on transcript NM_003041.4 (MANE Select); coding-DNA position 1961, A replaced by G.
Protein change: p.Asn654Ser; replaces asparagine 654 with serine.
Molecular consequence: missense variant. On other transcripts: 3 prime UTR variant (1), non-coding transcript variant (1).
Genome position (GRCh38, 1-based): chr16:31,490,477, A>G. VCF-style: chr16-31490477-A-G. GRCh37 (hg19) VCF-style: chr16-31501798-A-G.
Other names: c.*358T>C (NM_022744.4); short protein forms N654S.
Identifiers: ClinVar variation 12905 (VCV000012905.22), dbSNP rs61742739, ClinGen allele CA122779.